The following is an entry in ClinVar:

NM_000540.3(RYR1):c.4665del (p.Thr1556fs)

Gene: RYR1 (ryanodine receptor 1; plus strand). Cytogenetic location: 19q13.2.
Variant type: Deletion.
Coding change: c.4665del on transcript NM_000540.3 (MANE Select); coding-DNA position 4665, one base deleted (C; older notation c.4665delC).
Protein change: p.Thr1556fs; shifts the reading frame from threonine 1556.
Molecular consequence: frameshift variant.
Genome position (GRCh38, 1-based): chr19:38,483,071, C deleted; the last of 3 consecutive C bases (chr19:38,483,069-38,483,071); deleting any one gives the same sequence. VCF-style (leftmost placement, unchanged base first): chr19-38483068-GC-G. GRCh37 (hg19) VCF-style: chr19-38973708-GC-G.
Other names: c.4665del, p.Thr1556fs (NM_001042723.2); short protein forms T1556fs.
Identifiers: ClinVar variation 2697576 (VCV002697576.3), dbSNP rs2514210823, ClinGen allele CA2697556497.

ClinVar aggregate classification (germline): Pathogenic (1 of 4 stars; one submission).

Conditions:
RYR1-related disorder. Also called: RYR1-related condition; RYR1-related disorders. Identifiers: MedGen CN239331.

Submission:

Labcorp Genetics (formerly Invitae), Labcorp
Classification: Pathogenic for RYR1-related disorder. Last evaluated: 2023-11-20. Review status: criteria provided, single submitter. Criteria: Invitae Variant Classification Sherloc (09022015). Collection method: clinical testing. Allele origin: germline.
Comment: This sequence change creates a premature translational stop signal (p.Thr1556Profs*44) in the RYR1 gene. It is expected to result in an absent or disrupted protein product. Loss-of-function variants in RYR1 are known to be pathogenic (PMID: 23919265, 25960145, 28818389, 30611313). This variant is not present in population databases (gnomAD no frequency). This variant has not been reported in the literature in individuals affected with RYR1-related conditions. For these reasons, this variant has been classified as Pathogenic.

Literature cited by the submitters: PubMed 23919265; PubMed 25960145; PubMed 28818389; PubMed 30611313.